The following is an entry in ClinVar:

ClinVar aggregate classification (germline): Pathogenic (1 of 4 stars; one submission).

Conditions:
Hereditary cancer-predisposing syndrome. Also called: Tumor predisposition; Neoplastic Syndromes, Hereditary; Hereditary neoplastic syndrome; Hereditary Cancer Syndrome. Identifiers: Orphanet 140162, MedGen C0027672, MeSH D009386, MONDO:0015356.

Submission:

Ambry Genetics
Classification: Pathogenic for Hereditary cancer-predisposing syndrome. Last evaluated: 2024-10-29. Review status: criteria provided, single submitter. Criteria: Ambry Variant Classification Scheme 2023. Collection method: clinical testing. Allele origin: germline.
Comment: The c.1406_1428del23 pathogenic mutation, located in coding exon 9 of the ATM gene, results from a deletion of 23 nucleotides at nucleotide positions 1406 to 1428, causing a translational frameshift with a predicted alternate stop codon (p.R469Kfs*10). This variant is considered to be rare based on population cohorts in the Genome Aggregation Database (gnomAD). This alteration is expected to result in loss of function by premature protein truncation or nonsense-mediated mRNA decay. As such, this alteration is interpreted as a disease-causing mutation.

NM_000051.4(ATM):c.1406_1428del (p.Arg469fs)

Gene: ATM (ATM serine/threonine kinase; plus strand). Cytogenetic location: 11q22.3.
Variant type: Deletion.
Coding change: c.1406_1428del on transcript NM_000051.4 (MANE Select); coding-DNA positions 1406 to 1428, 23 bases deleted (GGTCAAACCTAGAAAGCTCACAA).
Protein change: p.Arg469fs; shifts the reading frame from arginine 469.
Molecular consequence: frameshift variant.
Genome position (GRCh38, 1-based): chr11:108,250,871-108,250,893, GGTCAAACCTAGAAAGCTCACAA deleted; deleting any 23 consecutive bases within chr11:108,250,870-108,250,893 gives the same sequence; the c. name uses the placement nearest the transcript's 3' end. VCF-style (leftmost placement, unchanged base first): chr11-108250869-GAGGTCAAACCTAGAAAGCTCACA-G. GRCh37 (hg19) VCF-style: chr11-108121596-GAGGTCAAACCTAGAAAGCTCACA-G.
Other names: c.1406_1428del, p.Arg469fs (NM_001351834.2); short protein forms R469fs.
Identifiers: ClinVar variation 3452066 (VCV003452066.1).